The following is an entry in ClinVar:

NM_001048174.2(MUTYH):c.1520C>A (p.Ser507Tyr)

Gene: MUTYH (mutY DNA glycosylase; minus strand). Cytogenetic location: 1p34.1.
Variant type: single nucleotide variant.
Coding change: c.1520C>A on transcript NM_001048174.2 (MANE Select); coding-DNA position 1520, C replaced by A.
Protein change: p.Ser507Tyr; replaces serine 507 with tyrosine.
Molecular consequence: missense variant. On other transcripts: non-coding transcript variant (7).
Genome position (GRCh38, 1-based): chr1:45,329,352, G>T on the plus strand (C>A on the coding strand, the complement: MUTYH is on the minus strand). VCF-style: chr1-45329352-G-T. GRCh37 (hg19) VCF-style: chr1-45795024-G-T.
Other names: c.1520C>A, p.Ser507Tyr (NM_001048171.2, NM_001048173.2, NM_001293195.2 and 6 more transcripts); c.1523C>A, p.Ser508Tyr (NM_001048172.2, NM_001407071.1, NM_001407078.1 and 1 more transcripts); c.1604C>A, p.Ser535Tyr (NM_001128425.2); c.1565C>A, p.Ser522Tyr (NM_001293190.2); c.1553C>A, p.Ser518Tyr (NM_001293191.2, NM_001407069.1, NM_001407077.1); c.1244C>A, p.Ser415Tyr (NM_001293192.2, NM_001293196.2, NM_001407091.1); c.1175C>A, p.Ser392Tyr (NM_001350650.2, NM_001350651.2, NM_001407082.1); c.1436C>A, p.Ser479Tyr (NM_001407075.1); and 5 more; short protein forms S479Y, S493Y, S507Y, S508Y, S514Y, S392Y, S415Y, S494Y.
Identifiers: ClinVar variation 4113427 (VCV004113427.1).
Genomic context (GRCh38, chr1:45,329,352, plus strand): 5'-GGCTTTCAGAGGTGTCACTGGGCTGCACTGTTGAGGCTGTGTGCATCAGTGGAGATGTGA[G>T]ACCGAAAGAAATTATCCAGGACTTGCTGGCCCATGCGGGGCTTTTTCCGACTGCACGGAG-3'
Protein context (NP_001041639.1, residues 497-517): GQQVLDNFFR[Ser507Tyr]HISTDAHSLN

ClinVar aggregate classification (germline): Uncertain significance (1 of 4 stars; one submission).

Conditions:
Hereditary cancer-predisposing syndrome. Also called: Tumor predisposition; Neoplastic Syndromes, Hereditary; Hereditary neoplastic syndrome; Hereditary Cancer Syndrome. Identifiers: Orphanet 140162, MedGen C0027672, MeSH D009386, MONDO:0015356.

Submission:

Ambry Genetics
Classification: Uncertain significance for Hereditary cancer-predisposing syndrome. Last evaluated: 2025-08-27. Review status: criteria provided, single submitter. Criteria: Ambry Variant Classification Scheme 2023. Collection method: clinical testing. Allele origin: germline.
Comment: The p.S535Y variant (also known as c.1604C>A), located in coding exon 16 of the MUTYH gene, results from a C to A substitution at nucleotide position 1604. The serine at codon 535 is replaced by tyrosine, an amino acid with dissimilar properties. This amino acid position is conserved. In addition, this alteration is predicted to be tolerated by in silico analysis. Based on the available evidence, the clinical significance of this variant remains unclear.